The following is an entry in ClinVar:

NM_003331.5(TYK2):c.3385G>C (p.Glu1129Gln)

Gene: TYK2 (tyrosine kinase 2; minus strand). Cytogenetic location: 19p13.2.
Variant type: single nucleotide variant.
Coding change: c.3385G>C on transcript NM_003331.5 (MANE Select); coding-DNA position 3385, G replaced by C.
Protein change: p.Glu1129Gln; replaces glutamic acid 1129 with glutamine.
Molecular consequence: missense variant. On other transcripts: intron variant (1).
Genome position (GRCh38, 1-based): chr19:10,351,096, C>G on the plus strand (G>C on the coding strand, the complement: TYK2 is on the minus strand). VCF-style: chr19-10351096-C-G. GRCh37 (hg19) VCF-style: chr19-10461772-C-G.
Other names: c.3199G>C, p.Glu1067Gln (NM_001385199.1); c.3382G>C, p.Glu1128Gln (NM_001385200.1); c.3187G>C, p.Glu1063Gln (NM_001385201.1); c.3301G>C, p.Glu1101Gln (NM_001385202.1); c.3466G>C, p.Glu1156Gln (NM_001385203.1); c.3595G>C, p.Glu1199Gln (NM_001385204.1); c.3295G>C, p.Glu1099Gln (NM_001385205.1); c.3259G>C, p.Glu1087Gln (NM_001385206.1); and 4 more; short protein forms E1099Q, E1101Q, E1128Q, E1087Q, E1199Q, E1063Q, E1129Q, E1156Q.
Identifiers: ClinVar variation 1396744 (VCV001396744.7), dbSNP rs746144391, ClinGen allele CA9192738.

ClinVar aggregate classification (germline): Uncertain significance. Review status: criteria provided, multiple submitters, no conflicts (2 of 4 stars). 2 submissions from 2 submitters: Uncertain significance (2). Last evaluated 2025-08-10.

Conditions:
Immunodeficiency 35 (IMD35). Also called: TYK2 DEFICIENCY; Susceptibility to infection due to TYK2 deficiency; HIES WITH ATYPICAL MYCOBACTERIOSIS, AUTOSOMAL RECESSIVE; HYPER-IgE SYNDROME WITH ATYPICAL MYCOBACTERIOSIS, AUTOSOMAL RECESSIVE. Identifiers: Orphanet 331226, MedGen C1969086, MONDO:0012682, OMIM 611521.
Inborn genetic diseases. Identifiers: MedGen C0950123, MeSH D030342.

Allele frequency attached by ClinVar (database versions not stated): gnomAD exomes below 0.00001 and 0.00001; TOPMed 0.00001; ExAC 0.00002; gnomAD 0.00002.

Submissions (2):

Ambry Genetics
Classification: Uncertain significance for Inborn genetic diseases. Last evaluated: 2025-08-10. Review status: criteria provided, single submitter. Criteria: Ambry Variant Classification Scheme 2023. Collection method: clinical testing. Allele origin: germline.

Labcorp Genetics (formerly Invitae), Labcorp
Classification: Uncertain significance for Immunodeficiency 35. Last evaluated: 2023-10-14. Review status: criteria provided, single submitter. Criteria: Invitae Variant Classification Sherloc (09022015). Collection method: clinical testing. Allele origin: germline.
Comment: This sequence change replaces glutamic acid, which is acidic and polar, with glutamine, which is neutral and polar, at codon 1129 of the TYK2 protein (p.Glu1129Gln). This variant is present in population databases (rs746144391, gnomAD 0.009%). This variant has not been reported in the literature in individuals affected with TYK2-related conditions. ClinVar contains an entry for this variant (Variation ID: 1396744). Advanced modeling of protein sequence and biophysical properties (such as structural, functional, and spatial information, amino acid conservation, physicochemical variation, residue mobility, and thermodynamic stability) performed at Invitae indicates that this missense variant is not expected to disrupt TYK2 protein function. In summary, the available evidence is currently insufficient to determine the role of this variant in disease. Therefore, it has been classified as a Variant of Uncertain Significance.